The following is an entry in ClinVar:

NM_001370100.5(ZMYND11):c.1390_1391insCC (p.Gln464fs)

Genes: ZMYND11 (zinc finger MYND-type containing 11; plus strand), LOC126860802 (BRD4-independent group 4 enhancer GRCh37_chr10:294268-295467; plus strand). Cytogenetic location: 10p15.3.
Variant type: Insertion.
Coding change: c.1390_1391insCC on transcript NM_001370100.5 (MANE Select); coding-DNA positions 1390 to 1391, CC inserted.
Protein change: p.Gln464fs; shifts the reading frame from glutamine 464.
Molecular consequence: frameshift variant. On other transcripts: non-coding transcript variant (1).
Genome position: GRCh38 VCF-style: chr10-248497-T-TCC. GRCh37 (hg19) VCF-style: chr10-294437-T-TCC.
Other names: c.1297_1298insCC, p.Gln433fs (NM_001370113.2, NM_001370114.2); c.1387_1388insCC, p.Gln463fs (NM_001370115.2, NM_212479.4); c.1390_1391insCC, p.Gln464Profs (NM_001161482.1); c.1228_1229insCC, p.Gln410fs (NM_001202464.3, NM_001202467.1, NM_001370103.2 and 6 more transcripts); c.1135_1136insCC, p.Gln379fs (NM_001202465.3, NM_001370110.2); c.1225_1226insCC, p.Gln409fs (NM_001202466.3, NM_001370111.2); c.1390_1391insCC, p.Gln464fs (NM_001202468.1, NM_001370097.3, NM_001370098.2 and 4 more transcripts); c.1339_1340insCC, p.Gln447fs (NM_001330057.3, NM_001370112.2); and 9 more; short protein forms Q307fs, Q345fs, Q362fs, Q370fs, Q379fs, Q388fs, Q409fs, Q410fs.
Identifiers: ClinVar variation 2576601 (VCV002576601.2), dbSNP rs2540044081, ClinGen allele CA2580615421.

ClinVar aggregate classification (germline): Likely pathogenic (1 of 4 stars; one submission).

Conditions:
Intellectual developmental disorder, autosomal dominant 30, with speech delay and behavioral abnormalities. Also called: Intellectual disability, autosomal dominant 30. Identifiers: Orphanet 436151, MedGen C4015167, MONDO:0014486, OMIM 616083.

Submission:

Institute of Human Genetics, University of Leipzig Medical Center
Classification: Likely pathogenic for Intellectual developmental disorder, autosomal dominant 30, with speech delay and behavioral abnormalities. Last evaluated: 2023-05-30. Review status: criteria provided, single submitter. Criteria: ACMG Guidelines, 2015. Collection method: clinical testing. Allele origin: unknown. Inheritance: Autosomal dominant inheritance. Affected: yes.
Comment: Criteria applied: PVS1,PM2_SUP